The following is an entry in ClinVar:

NM_000159.4(GCDH):c.706T>C (p.Phe236Leu)

Gene: GCDH (glutaryl-CoA dehydrogenase; plus strand). Cytogenetic location: 19p13.13.
Variant type: single nucleotide variant.
Coding change: c.706T>C on transcript NM_000159.4 (MANE Select); coding-DNA position 706, T replaced by C.
Protein change: p.Phe236Leu; replaces phenylalanine 236 with leucine.
Molecular consequence: missense variant. On other transcripts: non-coding transcript variant (2).
Genome position (GRCh38, 1-based): chr19:12,896,275, T>C. VCF-style: chr19-12896275-T-C. GRCh37 (hg19) VCF-style: chr19-13007089-T-C.
Other names: c.706T>C (NM_000159.3); c.706T>C, p.Phe236Leu (NM_013976.5); short protein forms F236L.
Identifiers: ClinVar variation 1683830 (VCV001683830.13), dbSNP rs747920711, ClinGen allele CA9234467.
Genomic context (GRCh38, chr19:12,896,275, plus strand): 5'-TCGCCTATGGCCGATCTGTTTGTAGTGTGGGCTCGGTGTGAAGATGGCTGCATTCGGGGC[T>C]TCCTGCTGGAGAAGGGGATGCGGGGTCTCTCGGCCCCCAGGATCCAGGGCAAGTTCTCGC-3'
Protein context (NP_000150.1, residues 226-246): ARCEDGCIRG[Phe236Leu]LLEKGMRGLS

ClinVar aggregate classification (germline): Pathogenic/Likely pathogenic. Review status: criteria provided, multiple submitters, no conflicts (2 of 4 stars). 7 submissions from 7 submitters: Pathogenic (5); Likely pathogenic (2). Last evaluated 2025-12-30.

Conditions:
Glutaric aciduria, type 1. Also called: GA I; Glutaryl-CoA dehydrogenase deficiency; Glutaric acidemia type I; Glutaricacidemia Type 1; Glutaric Acidemia Type 1; Glutaricaciduria, type I. Identifiers: Orphanet 25, MedGen C0268595, MONDO:0009281, OMIM 231670.

Allele frequency attached by ClinVar (database versions not stated): gnomAD exomes below 0.00001 and 0.00001; ExAC 0.00001.

Submissions (7):

Labcorp Genetics (formerly Invitae), Labcorp
Classification: Pathogenic for Glutaric aciduria, type 1. Last evaluated: 2025-12-30. Review status: criteria provided, single submitter. Criteria: Invitae Variant Classification Sherloc (09022015). Collection method: clinical testing. Allele origin: germline.
Comment: This sequence change replaces phenylalanine, which is neutral and non-polar, with leucine, which is neutral and non-polar, at codon 236 of the GCDH protein (p.Phe236Leu). This variant is present in population databases (rs747920711, gnomAD 0.003%). This missense change has been observed in individual(s) with glutaric aciduria, type I (PMID: 15505393, 17622945, 29201125). ClinVar contains an entry for this variant (Variation ID: 1683830). Invitae Evidence Modeling of protein sequence and biophysical properties (such as structural, functional, and spatial information, amino acid conservation, physicochemical variation, residue mobility, and thermodynamic stability) indicates that this missense variant is not expected to disrupt GCDH protein function with a negative predictive value of 80%. Experimental studies have shown that this missense change affects GCDH function (PMID: 9711871). For these reasons, this variant has been classified as Pathogenic.

Genomic Medicine Center of Excellence, King Faisal Specialist Hospital and Research Centre
Classification: Likely pathogenic for Glutaric aciduria, type 1. Last evaluated: 2025-09-10. Review status: criteria provided, single submitter. Criteria: ACMG Guidelines, 2015. Collection method: clinical testing. Allele origin: germline.

First Genomix Gene Laboratory, Genetic Diagnostics Department
Classification: Pathogenic for Glutaric aciduria, type 1. Last evaluated: 2025-09-02. Review status: criteria provided, single submitter. Criteria: ACMG Guidelines, 2015. Collection method: clinical testing. Allele origin: germline. Inheritance: Autosomal recessive inheritance. Affected: no. Observed: 1 variant allele.

3billion
Classification: Pathogenic for Glutaric aciduria, type 1. Last evaluated: 2025-05-13. Review status: criteria provided, single submitter. Criteria: ACMG Guidelines, 2015. Collection method: clinical testing. Allele origin: germline. Affected: yes.
Comment: The variant is observed at an extremely low frequency in the gnomAD v4.1.0 dataset (total allele frequency: <0.001%). Predicted Consequence/Location: Missense variant In silico tool predictions suggest damaging effect of the variant on gene or gene product [REVEL: 0.98 (>=0.6, sensitivity 0.68 and specificity 0.92); 3Cnet: 0.96 (> 0.75, sensitivity 0.96 and precision 0.92)]. The same nucleotide change resulting in the same amino acid change has been previously reported as pathogenic/likely pathogenic with strong evidence (ClinVar ID: VCV001683830 /PMID: 9711871). The variant has been reported to be in trans with a pathogenic variant as either compound heterozygous or homozygous in at least 2 similarly affected unrelated individuals (PMID: 15505393, 17622945). Therefore, this variant is classified as Pathogenic according to the recommendation of ACMG/AMP guideline.

Natera, Inc.
Classification: Likely pathogenic for Glutaric acidemia type 1. Last evaluated: 2024-12-13. Review status: criteria provided, single submitter. Criteria: Natera Variant Classification Schema (03/2026). Collection method: clinical testing. Allele origin: germline.
Comment: The c.706T>C variant in GCDH is a missense variant predicted to cause substitution of phenylalanine to leucine at amino acid 236. This variant is rare in the general population with a frequency below the threshold expected for the associated phenotype(s). This variant has been observed in one or more individuals affected with the associated recessive disease, as either homozygous or compound heterozygous with a second variant (PMID: 16183823). This variant has been identified in one or more affected individuals with a phenotype highly consistent with the associated gene (PMID: 16183823). Computational prediction algorithms indicate this variant is likely to affect gene or protein function. Given the available evidence, this variant is classified as Likely Pathogenic.

Baylor Genetics
Classification: Pathogenic for Glutaric aciduria, type 1. Last evaluated: 2024-01-16. Review status: criteria provided, single submitter. Criteria: ACMG Guidelines, 2015. Collection method: clinical testing. Allele origin: unknown.

GeneDx
Classification: Pathogenic. Last evaluated: 2021-09-28. Review status: criteria provided, single submitter. Criteria: GeneDx Variant Classification Process June 2021. Collection method: clinical testing. Allele origin: germline. Affected: yes.
Comment: Expression studies found this variant is associated with 3.5% residual enzyme activity (Goodman SI et al. 1998); Not observed at significant frequency in large population cohorts (gnomAD); In silico analysis supports that this missense variant has a deleterious effect on protein structure/function; This variant is associated with the following publications: (PMID: 16763905, 33728242, 15505393, AlAsmari2019[review], 29201125, 9711871)

Literature cited by the submitters: PubMed 15505393 (cited by Labcorp Genetics (formerly Invitae), Labcorp and 3billion); PubMed 17622945 (cited by Labcorp Genetics (formerly Invitae), Labcorp and 3billion); PubMed 29201125 (cited by Labcorp Genetics (formerly Invitae), Labcorp); PubMed 9711871 (cited by Labcorp Genetics (formerly Invitae), Labcorp and 3billion); PubMed 16183823 (cited by Natera, Inc.).